The following is an entry in ClinVar:

NM_001111125.3(IQSEC2):c.2279G>A (p.Gly760Asp)

Gene: IQSEC2 (IQ motif and Sec7 domain ArfGEF 2; minus strand). Cytogenetic location: Xp11.22.
Variant type: single nucleotide variant.
Coding change: c.2279G>A on transcript NM_001111125.3 (MANE Select); coding-DNA position 2279, G replaced by A.
Protein change: p.Gly760Asp; replaces glycine 760 with aspartic acid.
Molecular consequence: missense variant.
Genome position (GRCh38, 1-based): chrX:53,250,297, C>T on the plus strand (G>A on the coding strand, the complement: IQSEC2 is on the minus strand). VCF-style: chrX-53250297-C-T. GRCh37 (hg19) VCF-style: chrX-53279479-C-T.
Other names: c.2279G>A, p.Gly760Asp (NM_001410736.1); c.1664G>A, p.Gly555Asp (NM_015075.2); short protein forms G760D, G555D.
Identifiers: ClinVar variation 2765628 (VCV002765628.3), dbSNP rs2519796784, ClinGen allele CA413159547.

ClinVar aggregate classification (germline): Uncertain significance (1 of 4 stars; one submission).

Conditions:
Intellectual developmental disorder, X-linked 1. Also called: Atkin Flaitz Patil Smith syndrome; Intellectual disability, X-linked 1; MENTAL RETARDATION, X-LINKED 18; MENTAL RETARDATION, X-LINKED 78. Identifiers: Orphanet 777, MedGen C2931498, MONDO:0010656, OMIM 309530.

Submission:

Labcorp Genetics (formerly Invitae), Labcorp
Classification: Uncertain significance for Intellectual developmental disorder, X-linked 1. Last evaluated: 2024-02-23. Review status: criteria provided, single submitter. Criteria: Invitae Variant Classification Sherloc (09022015). Collection method: clinical testing. Allele origin: germline.
Comment: This sequence change replaces glycine, which is neutral and non-polar, with aspartic acid, which is acidic and polar, at codon 760 of the IQSEC2 protein (p.Gly760Asp). This variant is not present in population databases (gnomAD no frequency). This variant has not been reported in the literature in individuals affected with IQSEC2-related conditions. Advanced modeling of protein sequence and biophysical properties (such as structural, functional, and spatial information, amino acid conservation, physicochemical variation, residue mobility, and thermodynamic stability) performed at Invitae indicates that this missense variant is expected to disrupt IQSEC2 protein function with a positive predictive value of 95%. In summary, the available evidence is currently insufficient to determine the role of this variant in disease. Therefore, it has been classified as a Variant of Uncertain Significance.